The following is an entry in ClinVar:

NM_001197104.2(KMT2A):c.853_858del (p.Phe285_Lys286del)

Gene: KMT2A (lysine methyltransferase 2A; plus strand). Cytogenetic location: 11q23.3.
Variant type: Deletion.
Coding change: c.853_858del on transcript NM_001197104.2 (MANE Select); coding-DNA positions 853 to 858, 6 bases deleted (TTTAAG; older notation c.853_858delTTTAAG).
Protein change: p.Phe285_Lys286del.
Molecular consequence: inframe deletion.
Genome position (GRCh38, 1-based): chr11:118,472,012-118,472,017, TTTAAG deleted; deleting any 6 consecutive bases within chr11:118,472,008-118,472,017 gives the same sequence; the c. name uses the placement nearest the transcript's 3' end. VCF-style (leftmost placement, unchanged base first): chr11-118472007-CTAAGTT-C. GRCh37 (hg19) VCF-style: chr11-118342722-CTAAGTT-C.
Other names: c.853_858del, p.Phe285_Lys286del (NM_005933.4).
Identifiers: ClinVar variation 1475532 (VCV001475532.9), dbSNP rs1555035677, ClinGen allele CA602150380.

ClinVar aggregate classification (germline): Uncertain significance. Review status: criteria provided, multiple submitters, no conflicts (2 of 4 stars). 2 submissions from 2 submitters: Uncertain significance (2). Last evaluated 2024-11-04.

Submissions (2):

Labcorp Genetics (formerly Invitae), Labcorp
Classification: Uncertain significance. Last evaluated: 2024-11-04. Review status: criteria provided, single submitter. Criteria: Invitae Variant Classification Sherloc (09022015). Collection method: clinical testing. Allele origin: germline.
Comment: This variant, c.853_858del, results in the deletion of 2 amino acid(s) of the KMT2A protein (p.Phe285_Lys286del), but otherwise preserves the integrity of the reading frame. This variant is present in population databases (no rsID available, gnomAD 0.0009%). This variant has not been reported in the literature in individuals affected with KMT2A-related conditions. ClinVar contains an entry for this variant (Variation ID: 1475532). Experimental studies and prediction algorithms are not available or were not evaluated, and the functional significance of this variant is currently unknown. In summary, the available evidence is currently insufficient to determine the role of this variant in disease. Therefore, it has been classified as a Variant of Uncertain Significance.

Breakthrough Genomics
Classification: Uncertain significance. Review status: criteria provided, single submitter. Criteria: ACMG Guidelines, 2015. Collection method: not provided. Allele origin: germline. Inheritance: Autosomal dominant inheritance. Affected: yes.